The following is an entry in ClinVar:

NM_006231.4(POLE):c.1376C>T (p.Ser459Phe)

Gene: POLE (DNA polymerase epsilon, catalytic subunit; minus strand). Cytogenetic location: 12q24.33.
Variant type: single nucleotide variant.
Coding change: c.1376C>T on transcript NM_006231.4 (MANE Select); coding-DNA position 1376, C replaced by T.
Protein change: p.Ser459Phe; replaces serine 459 with phenylalanine.
Molecular consequence: missense variant.
Genome position (GRCh38, 1-based): chr12:132,673,261, G>A on the plus strand (C>T on the coding strand, the complement: POLE is on the minus strand). VCF-style: chr12-132673261-G-A. GRCh37 (hg19) VCF-style: chr12-133249847-G-A.
Other names: short protein forms S459F.
Identifiers: ClinVar variation 2836186 (VCV002836186.3), dbSNP rs765702675, ClinGen allele CA387358756.

ClinVar aggregate classification (germline): Pathogenic (1 of 4 stars; one submission).

Submission:

Labcorp Genetics (formerly Invitae), Labcorp
Classification: Pathogenic. Last evaluated: 2024-05-22. Review status: criteria provided, single submitter. Criteria: Invitae Variant Classification Sherloc (09022015). Collection method: clinical testing. Allele origin: germline.
Comment: This sequence change replaces serine, which is neutral and polar, with phenylalanine, which is neutral and non-polar, at codon 459 of the POLE protein (p.Ser459Phe). This variant is not present in population databases (gnomAD no frequency). This missense change has been observed in individual(s) with clinical features of autosomal dominant polymerase proofreading–associated polyposis (Invitae). In at least one individual the variant was observed to be de novo. Advanced modeling of protein sequence and biophysical properties (such as structural, functional, and spatial information, amino acid conservation, physicochemical variation, residue mobility, and thermodynamic stability) performed at Invitae indicates that this missense variant is expected to disrupt POLE protein function with a positive predictive value of 80%. For these reasons, this variant has been classified as Pathogenic.